The following is an entry in ClinVar:

ClinVar aggregate classification (germline): Likely benign (0 of 4 stars; one submission).

Conditions:
SON-related disorder. Also called: SON-related condition.

Allele frequency attached by ClinVar (database versions not stated): gnomAD exomes below 0.00001.
gnomAD v4.1: 1 of 1,605,704 alleles (0.000062%); highest among the groups gnomAD compares: African/African-American, 0.0013%; no homozygotes.

Submission:

PreventionGenetics, part of Exact Sciences
Classification: Likely benign for SON-related condition. Last evaluated: 2021-10-12. Review status: no assertion criteria provided. Collection method: clinical testing. Allele origin: germline.
Comment: This variant is classified as likely benign based on ACMG/AMP sequence variant interpretation guidelines (Richards et al. 2015 PMID: 25741868, with internal and published modifications).

NM_138927.4(SON):c.1752G>A (p.Leu584=)

Gene: SON (SON DNA and RNA binding protein; plus strand). Cytogenetic location: 21q22.11.
Variant type: single nucleotide variant.
Coding change: c.1752G>A on transcript NM_138927.4 (MANE Select); coding-DNA position 1752, G replaced by A.
Protein change: p.Leu584=; no amino-acid change (leucine 584 retained).
Molecular consequence: synonymous variant. On other transcripts: non-coding transcript variant (1), intron variant (1).
Genome position (GRCh38, 1-based): chr21:33,550,983, G>A. VCF-style: chr21-33550983-G-A. GRCh37 (hg19) VCF-style: chr21-34923289-G-A.
Other names: c.1752G>A, p.Leu584= (NM_001291411.2, NM_001412133.1, NM_032195.3 and 2 more transcripts); c.244+4604G>A (NM_001291412.3).
Identifiers: ClinVar variation 3055979 (VCV003055979.2), dbSNP rs906791541, ClinGen allele CA512336618.